The following is an entry in ClinVar:

NM_000169.3(GLA):c.971T>G (p.Leu324Trp)

Genes: GLA (galactosidase alpha; minus strand), RPL36A-HNRNPH2 (RPL36A-HNRNPH2 readthrough; plus strand). Cytogenetic location: Xq22.1.
Variant type: single nucleotide variant.
Coding change: c.971T>G on transcript NM_000169.3 (MANE Select); coding-DNA position 971, T replaced by G.
Protein change: p.Leu324Trp; replaces leucine 324 with tryptophan.
Molecular consequence: missense variant. On other transcripts: non-coding transcript variant (3), intron variant (2).
Genome position (GRCh38, 1-based): chrX:101,398,398, A>C on the plus strand (T>G on the coding strand, the complement: GLA is on the minus strand). VCF-style: chrX-101398398-A-C. GRCh37 (hg19) VCF-style: chrX-100653386-A-C.
Other names: c.1094T>G, p.Leu365Trp (NM_001406747.1); c.971T>G, p.Leu324Trp (NM_001406748.1); c.300+2941A>C (NM_001199973.2); c.177+6576A>C (NM_001199974.2); short protein forms L324W, L365W.
Identifiers: ClinVar variation 4087608 (VCV004087608.2).

ClinVar aggregate classification (germline): Uncertain significance (1 of 4 stars; one submission).

Conditions:
Fabry disease. Also called: ALPHA-GALACTOSIDASE A DEFICIENCY; ANDERSON-FABRY DISEASE; CERAMIDE TRIHEXOSIDASE DEFICIENCY; GLA DEFICIENCY; HEREDITARY DYSTOPIC LIPIDOSIS; Angiokeratoma corporis diffusum. Identifiers: Orphanet 324, MedGen C0002986, MONDO:0010526, OMIM 301500, HP:0001071. Disease mechanism: Fabry disease is due to inactivating mutations in the X-linked GLA gene resulting in deficiency of the enzyme Alpha Galactosidase-A., loss of function.

Submission:

Genomenon, Inc
Classification: Uncertain significance for Fabry disease. Last evaluated: 2026-09-08. Review status: criteria provided, single submitter. Criteria: Genomenon Sequence Variant Interpretation Standards - Updated. Collection method: curation. Allele origin: germline. Affected: yes.
Comment: GLA p.Leu324Trp (c.971T>G) is a missense variant that changes the amino acid at codon 324 from Leucine to Tryptophan. This variant has been observed in at least one proband with clinical features consistent with Fabry disease (PMID:38002959). Functional or patient cell studies have been reported (PMID:35578305). It is absent or not present at a significant frequency in gnomAD. In silico models predict that this variant is possibly or probably damaging. In conclusion, we classify GLA p.Leu324Trp (c.971T>G) as a variant of uncertain significance.

Literature cited by the submitters: PubMed 38002959; PubMed 35578305.